The following is an entry in ClinVar:

NM_152703.5(SAMD9L):c.3089A>T (p.Lys1030Ile)

Gene: SAMD9L (sterile alpha motif domain containing 9 like; minus strand). Cytogenetic location: 7q21.2.
Variant type: single nucleotide variant.
Coding change: c.3089A>T on transcript NM_152703.5 (MANE Select); coding-DNA position 3089, A replaced by T.
Protein change: p.Lys1030Ile; replaces lysine 1030 with isoleucine.
Molecular consequence: missense variant.
Genome position (GRCh38, 1-based): chr7:93,132,883, T>A on the plus strand (A>T on the coding strand, the complement: SAMD9L is on the minus strand). VCF-style: chr7-93132883-T-A. GRCh37 (hg19) VCF-style: chr7-92762196-T-A.
Other names: c.3089A>T, p.Lys1030Ile (NM_001303496.3, NM_001303497.3, NM_001303498.3 and 5 more transcripts); short protein forms K1030I.
Identifiers: ClinVar variation 3792445 (VCV003792445.1).

ClinVar aggregate classification (germline): Uncertain significance (1 of 4 stars; one submission).

Conditions:
Inborn genetic diseases. Identifiers: MedGen C0950123, MeSH D030342.

Submission:

Ambry Genetics
Classification: Uncertain significance for Inborn genetic diseases. Last evaluated: 2025-02-22. Review status: criteria provided, single submitter. Criteria: Ambry Variant Classification Scheme 2023. Collection method: clinical testing. Allele origin: germline.
Comment: The p.K1030I variant (also known as c.3089A>T), located in coding exon 1 of the SAMD9L gene, results from an A to T substitution at nucleotide position 3089. The lysine at codon 1030 is replaced by isoleucine, an amino acid with dissimilar properties. This amino acid position is conserved. In addition, this alteration is predicted to be tolerated by in silico analysis. Based on the available evidence, the clinical significance of this variant remains unclear.